The following is an entry in ClinVar:

NM_014244.5(ADAMTS2):c.1925_1934del (p.His642fs)

Gene: ADAMTS2 (ADAM metallopeptidase with thrombospondin type 1 motif 2; minus strand). Cytogenetic location: 5q35.3.
Variant type: Deletion.
Coding change: c.1925_1934del on transcript NM_014244.5 (MANE Select); coding-DNA positions 1925 to 1934, 10 bases deleted (ACTGGCTGCC; older notation c.1925_1934delACTGGCTGCC).
Protein change: p.His642fs; shifts the reading frame from histidine 642.
Molecular consequence: frameshift variant.
Genome position (GRCh38, 1-based): chr5:179,137,786-179,137,795, GGCAGCCAGT deleted on the plus strand (ACTGGCTGCC on the coding strand, the reverse complement: ADAMTS2 is on the minus strand); deleting any 10 consecutive bases within chr5:179,137,786-179,137,797 gives the same sequence; the c. name uses the placement nearest the transcript's 3' end. VCF-style (leftmost placement, unchanged base first): chr5-179137785-GGGCAGCCAGT-G. GRCh37 (hg19) VCF-style: chr5-178564786-GGGCAGCCAGT-G.
Other names: short protein forms H642fs.
Identifiers: ClinVar variation 2763468 (VCV002763468.3), dbSNP rs2480195718, ClinGen allele CA2697546598.

ClinVar aggregate classification (germline): Pathogenic (1 of 4 stars; one submission).

Conditions:
Ehlers-Danlos syndrome, dermatosparaxis type. Also called: EDS VIIC; Ehlers-Danlos syndrome, type VII, autosomal recessive; Dermatosparaxis. Identifiers: Orphanet 1901, MedGen C2700425, MONDO:0009161, OMIM 225410.

Submission:

Labcorp Genetics (formerly Invitae), Labcorp
Classification: Pathogenic for Ehlers-Danlos syndrome, dermatosparaxis type. Last evaluated: 2023-06-03. Review status: criteria provided, single submitter. Criteria: Invitae Variant Classification Sherloc (09022015). Collection method: clinical testing. Allele origin: germline.
Comment: For these reasons, this variant has been classified as Pathogenic. This variant has not been reported in the literature in individuals affected with ADAMTS2-related conditions. This variant is not present in population databases (gnomAD no frequency). This sequence change creates a premature translational stop signal (p.His642Profs*26) in the ADAMTS2 gene. It is expected to result in an absent or disrupted protein product. Loss-of-function variants in ADAMTS2 are known to be pathogenic (PMID: 10417273).

Literature cited by the submitters: PubMed 10417273.